The following is an entry in ClinVar:

ClinVar aggregate classification (germline): Uncertain significance. Review status: criteria provided, multiple submitters, no conflicts (2 of 4 stars). 2 submissions from 2 submitters: Uncertain significance (2). Last evaluated 2025-12-08.

Conditions:
Cryopyrin associated periodic syndrome (CAPS). Identifiers: Orphanet 208650, MedGen C2316212, MONDO:0016168.

gnomAD v4.1: 4 of 1,613,878 alleles (0.00025%); highest among the groups gnomAD compares: Non-Finnish European, 0.00034%; no homozygotes.

Submissions (2):

Labcorp Genetics (formerly Invitae), Labcorp
Classification: Uncertain significance for Cryopyrin associated periodic syndrome. Last evaluated: 2025-12-08. Review status: criteria provided, single submitter. Criteria: Invitae Variant Classification Sherloc (09022015). Collection method: clinical testing. Allele origin: germline.
Comment: This sequence change replaces proline, which is neutral and non-polar, with threonine, which is neutral and polar, at codon 202 of the NLRP3 protein (p.Pro202Thr). This variant is present in population databases (no rsID available, gnomAD 0.0009%). This missense change has been observed in individual(s) with cryopyrin-associated periodic syndrome (PMID: 33165748). ClinVar contains an entry for this variant (Variation ID: 3720297). Invitae Evidence Modeling of protein sequence and biophysical properties (such as structural, functional, and spatial information, amino acid conservation, physicochemical variation, residue mobility, and thermodynamic stability) has been performed for this missense variant. However, the output from this modeling did not meet the statistical confidence thresholds required to predict the impact of this variant on NLRP3 protein function. Algorithms developed to predict the effect of sequence changes on RNA splicing suggest that this variant may create or strengthen a splice site. In summary, the available evidence is currently insufficient to determine the role of this variant in disease. Therefore, it has been classified as a Variant of Uncertain Significance.

Blueprint Genetics
Classification: Uncertain significance. Last evaluated: 2023-06-21. Review status: criteria provided, single submitter. Criteria: ACMG Guidelines, 2015. Collection method: clinical testing. Allele origin: germline.

Literature cited by the submitters: PubMed 33165748 (cited by Labcorp Genetics (formerly Invitae), Labcorp).

NM_001243133.2(NLRP3):c.598C>A (p.Pro200Thr)

Gene: NLRP3 (NLR family pyrin domain containing 3; plus strand). Cytogenetic location: 1q44.
Variant type: single nucleotide variant.
Coding change: c.598C>A on transcript NM_001243133.2 (MANE Select); coding-DNA position 598, C replaced by A.
Protein change: p.Pro200Thr; replaces proline 200 with threonine.
Molecular consequence: missense variant.
Genome position (GRCh38, 1-based): chr1:247,424,047, C>A. VCF-style: chr1-247424047-C-A. GRCh37 (hg19) VCF-style: chr1-247587349-C-A.
Other names: c.598C>A, p.Pro200Thr (NM_001079821.3, NM_001127461.3, NM_001127462.3 and 1 more transcripts); c.604C>A, p.Pro202Thr (NM_004895.5); short protein forms P200T, P202T.
Identifiers: ClinVar variation 3720297 (VCV003720297.3).